The following is an entry in ClinVar:

ClinVar aggregate classification (germline): Uncertain significance (1 of 4 stars; one submission).

gnomAD v4.1: 52 of 1,606,966 alleles (0.0032%); highest among the groups gnomAD compares: Admixed American, 0.013%; no homozygotes.

Submission:

Labcorp Genetics (formerly Invitae), Labcorp
Classification: Uncertain significance. Last evaluated: 2025-03-18. Review status: criteria provided, single submitter. Criteria: Invitae Variant Classification Sherloc (09022015). Collection method: clinical testing. Allele origin: germline.
Comment: This sequence change replaces alanine, which is neutral and non-polar, with serine, which is neutral and polar, at codon 258 of the COL18A1 protein (p.Ala258Ser). This variant is present in population databases (rs778268148, gnomAD 0.009%). This variant has not been reported in the literature in individuals affected with COL18A1-related conditions. ClinVar contains an entry for this variant (Variation ID: 1483919). Experimental studies and prediction algorithms are not available or were not evaluated, and the functional significance of this variant is currently unknown. In summary, the available evidence is currently insufficient to determine the role of this variant in disease. Therefore, it has been classified as a Variant of Uncertain Significance.

NM_001379500.1(COL18A1):c.772G>T (p.Ala258Ser)

Gene: COL18A1 (collagen type XVIII alpha 1 chain; plus strand). Cytogenetic location: 21q22.3.
Variant type: single nucleotide variant.
Coding change: c.772G>T on transcript NM_001379500.1 (MANE Select); coding-DNA position 772, G replaced by T.
Protein change: p.Ala258Ser; replaces alanine 258 with serine.
Molecular consequence: missense variant.
Genome position (GRCh38, 1-based): chr21:45,475,509, G>T. VCF-style: chr21-45475509-G-T. GRCh37 (hg19) VCF-style: chr21-46895423-G-T.
Other names: c.1312G>T, p.Ala438Ser (NM_030582.4); c.2017G>T, p.Ala673Ser (NM_130444.3); short protein forms A438S, A673S, A258S.
Identifiers: ClinVar variation 1483919 (VCV001483919.5), dbSNP rs778268148, ClinGen allele CA10065888.